The following is an entry in ClinVar:

NM_001039141.3(TRIOBP):c.1819A>G (p.Asn607Asp)

Gene: TRIOBP (TRIO and F-actin binding protein; plus strand). Cytogenetic location: 22q13.1.
Variant type: single nucleotide variant.
Coding change: c.1819A>G on transcript NM_001039141.3 (MANE Select); coding-DNA position 1819, A replaced by G.
Protein change: p.Asn607Asp; replaces asparagine 607 with aspartic acid.
Molecular consequence: missense variant.
Genome position (GRCh38, 1-based): chr22:37,724,375, A>G. VCF-style: chr22-37724375-A-G. GRCh37 (hg19) VCF-style: chr22-38120382-A-G.
Other names: short protein forms N607D.
Identifiers: ClinVar variation 1357221 (VCV001357221.8), dbSNP rs2145833266, ClinGen allele CA411462771.

ClinVar aggregate classification (germline): Uncertain significance (1 of 4 stars; one submission).

Submission:

Labcorp Genetics (formerly Invitae), Labcorp
Classification: Uncertain significance. Last evaluated: 2022-07-06. Review status: criteria provided, single submitter. Criteria: Invitae Variant Classification Sherloc (09022015). Collection method: clinical testing. Allele origin: germline.
Comment: In summary, the available evidence is currently insufficient to determine the role of this variant in disease. Therefore, it has been classified as a Variant of Uncertain Significance. Algorithms developed to predict the effect of missense changes on protein structure and function output the following: SIFT: "Tolerated"; PolyPhen-2: "Benign"; Align-GVGD: "Class C0". The aspartic acid amino acid residue is found in multiple mammalian species, which suggests that this missense change does not adversely affect protein function. ClinVar contains an entry for this variant (Variation ID: 1357221). This variant has not been reported in the literature in individuals affected with TRIOBP-related conditions. This variant is not present in population databases (gnomAD no frequency). This sequence change replaces asparagine, which is neutral and polar, with aspartic acid, which is acidic and polar, at codon 607 of the TRIOBP protein (p.Asn607Asp).